The following is an entry in ClinVar:

NM_020717.5(SHROOM4):c.3541G>C (p.Glu1181Gln)

Gene: SHROOM4 (shroom family member 4; minus strand). Cytogenetic location: Xp11.22.
Variant type: single nucleotide variant.
Coding change: c.3541G>C on transcript NM_020717.5 (MANE Select); coding-DNA position 3541, G replaced by C.
Protein change: p.Glu1181Gln; replaces glutamic acid 1181 with glutamine.
Molecular consequence: missense variant. On other transcripts: non-coding transcript variant (4).
Genome position (GRCh38, 1-based): chrX:50,607,601, C>G on the plus strand (G>C on the coding strand, the complement: SHROOM4 is on the minus strand). VCF-style: chrX-50607601-C-G. GRCh37 (hg19) VCF-style: chrX-50350601-C-G.
Other names: short protein forms E1181Q.
Identifiers: ClinVar variation 1033952 (VCV001033952.1), dbSNP rs1929724067, ClinGen allele CA413102742.

ClinVar aggregate classification (germline): Uncertain significance (1 of 4 stars; one submission).

Conditions:
Intellectual developmental disorder, X-linked, syndromic, Stocco dos Santos type. Also called: STOCCO DOS SANTOS X-LINKED MENTAL RETARDATION SYNDROME; Stocco dos Santos syndrome; X-linked intellectual disability, Stocco dos Santos type. Identifiers: Orphanet 85288, MedGen C1845530, MONDO:0010325, OMIM 300434.

Submission:

Baylor Genetics
Classification: Uncertain significance for Intellectual developmental disorder, X-linked, syndromic, Stocco dos Santos type. Last evaluated: 2018-12-11. Review status: criteria provided, single submitter. Criteria: ACMG Guidelines, 2015. Collection method: clinical testing. Allele origin: unknown. Affected: yes.
Comment: This variant was determined to be of uncertain significance according to ACMG Guidelines, 2015 [PMID:25741868].